The following is an entry in ClinVar:

ClinVar aggregate classification (germline): Uncertain significance (1 of 4 stars; one submission).

gnomAD v4.1: 1 of 1,208,609 alleles (0.000083%); highest among the groups gnomAD compares: South Asian, 0.0018%; no homozygotes.

Submission:

Labcorp Genetics (formerly Invitae), Labcorp
Classification: Uncertain significance. Last evaluated: 2024-04-01. Review status: criteria provided, single submitter. Criteria: Invitae Variant Classification Sherloc (09022015). Collection method: clinical testing. Allele origin: germline.
Comment: This sequence change replaces glutamine, which is neutral and polar, with arginine, which is basic and polar, at codon 200 of the GRIA3 protein (p.Gln200Arg). This variant is not present in population databases (gnomAD no frequency). This variant has not been reported in the literature in individuals affected with GRIA3-related conditions. Advanced modeling of protein sequence and biophysical properties (such as structural, functional, and spatial information, amino acid conservation, physicochemical variation, residue mobility, and thermodynamic stability) performed at Invitae indicates that this missense variant is not expected to disrupt GRIA3 protein function with a negative predictive value of 80%. In summary, the available evidence is currently insufficient to determine the role of this variant in disease. Therefore, it has been classified as a Variant of Uncertain Significance.

NM_007325.5(GRIA3):c.599A>G (p.Gln200Arg)

Gene: GRIA3 (glutamate ionotropic receptor AMPA type subunit 3; plus strand). Cytogenetic location: Xq25.
Variant type: single nucleotide variant.
Coding change: c.599A>G on transcript NM_007325.5 (MANE Select); coding-DNA position 599, A replaced by G.
Protein change: p.Gln200Arg; replaces glutamine 200 with arginine.
Molecular consequence: missense variant.
Genome position (GRCh38, 1-based): chrX:123,326,116, A>G. VCF-style: chrX-123326116-A-G. GRCh37 (hg19) VCF-style: chrX-122459967-A-G.
Other names: c.599A>G, p.Gln200Arg (NM_000828.5); short protein forms Q200R.
Identifiers: ClinVar variation 3648294 (VCV003648294.2).